The following is an entry in ClinVar:

ClinVar aggregate classification (germline): Benign. Review status: criteria provided, multiple submitters, no conflicts (2 of 4 stars). 12 submissions from 12 submitters: Benign (9). 3 of the submissions do not count toward it. Last evaluated 2026-02-04.

Conditions:
Cardiovascular phenotype. Identifiers: MedGen CN230736.
Brittle cornea syndrome 1 (BCS1). Also called: DYSGENESIS MESODERMALIS CORNEAE ET SCLERAE; Corneal fragility keratoglobus, blue sclerae AND joint hypermobility; CORNEAL FRAGILITY, KERATOGLOBUS, BLUE SCLERAE, JOINT HYPEREXTENSIBILITY; EDS6B; FRAGILITAS OCULI WITH JOINT HYPEREXTENSIBILITY. Identifiers: Orphanet 90354, MedGen C0268344, MONDO:0024543, OMIM 229200.

Allele frequency attached by ClinVar (database versions not stated): TOPMed 0.97475; ExAC 0.98273; 1000 Genomes Project 30x 0.98798; 1000 Genomes Project 0.98902.
gnomAD v4.1: 1,492,109 of 1,550,024 alleles (96%); highest among the groups gnomAD compares: East Asian, 100%; 718,403 homozygotes.

Submissions (12):

Labcorp Genetics (formerly Invitae), Labcorp
Classification: Benign. Last evaluated: 2026-02-04. Review status: criteria provided, single submitter. Criteria: Invitae Variant Classification Sherloc (09022015). Collection method: clinical testing. Allele origin: germline.

Women's Health and Genetics/Laboratory Corporation of America, LabCorp
Classification: Benign. Last evaluated: 2025-10-13. Review status: criteria provided, single submitter. Criteria: LabCorp Variant Classification Summary - May 2015. Collection method: clinical testing. Allele origin: germline.

Blueprint Genetics
Classification: Benign. Last evaluated: 2024-11-27. Review status: criteria provided, single submitter. Criteria: ACMG Guidelines, 2015. Collection method: clinical testing. Allele origin: germline.

Mayo Clinic Laboratories, Mayo Clinic
Classification: Benign. Last evaluated: 2022-04-26. Review status: criteria provided, single submitter. Criteria: ACMG Guidelines, 2015. Collection method: clinical testing. Allele origin: germline. Observed: 3,086 variant alleles.

Genome-Nilou Lab
Classification: Benign for Brittle cornea syndrome 1. Last evaluated: 2021-12-05. Review status: criteria provided, single submitter. Criteria: ACMG Guidelines, 2015. Collection method: clinical testing. Allele origin: germline. Affected: no.

Ambry Genetics
Classification: Benign for Cardiovascular phenotype. Last evaluated: 2018-12-04. Review status: criteria provided, single submitter. Criteria: Ambry Variant Classification Scheme 2023. Collection method: clinical testing. Allele origin: germline.

GeneDx
Classification: Benign. Last evaluated: 2016-09-29. Review status: criteria provided, single submitter. Criteria: GeneDx Variant Classification (06012015). Collection method: clinical testing. Allele origin: germline. Affected: yes.
Comment: This variant is considered likely benign or benign based on one or more of the following criteria: it is a conservative change, it occurs at a poorly conserved position in the protein, it is predicted to be benign by multiple in silico algorithms, and/or has population frequency not consistent with disease.

Eurofins Ntd Llc (ga)
Classification: Benign. Last evaluated: 2014-07-14. Review status: criteria provided, single submitter. Criteria: EGL Classification Definitions 2015. Collection method: clinical testing. Allele origin: germline. Observed: 2 variant alleles, 2 homozygotes.

Breakthrough Genomics
Classification: Benign. Review status: criteria provided, single submitter. Criteria: ACMG Guidelines, 2015. Collection method: not provided. Allele origin: germline. Inheritance: Autosomal recessive inheritance. Affected: yes.

Genome Diagnostics Laboratory, Amsterdam University Medical Center
Classification: Benign for Brittle cornea syndrome 1. Last evaluated: 2016-01-15. Review status: no assertion criteria provided. Criteria: ACGS Guidelines, 2013. Collection method: clinical testing. Allele origin: germline. Affected: yes. Study: VKGL Data-share Consensus. Not counted in ClinVar's aggregate classification.

Diagnostic Laboratory, Department of Genetics, University Medical Center Groningen
Classification: Benign for Brittle cornea syndrome 1. Review status: no assertion criteria provided. Collection method: clinical testing. Allele origin: germline. Affected: yes. Study: VKGL Data-share Consensus. Not counted in ClinVar's aggregate classification.

Joint Genome Diagnostic Labs from Nijmegen and Maastricht, Radboudumc and MUMC+
Classification: Benign. Review status: no assertion criteria provided. Collection method: clinical testing. Allele origin: germline. Affected: yes. Study: VKGL Data-share Consensus. Not counted in ClinVar's aggregate classification.

NM_001367624.2(ZNF469):c.1069T>C (p.Ser357Pro)

Gene: ZNF469 (zinc finger protein 469; plus strand). Cytogenetic location: 16q24.2.
Variant type: single nucleotide variant.
Coding change: c.1069T>C on transcript NM_001367624.2 (MANE Select); coding-DNA position 1069, T replaced by C.
Protein change: p.Ser357Pro; replaces serine 357 with proline.
Molecular consequence: missense variant.
Genome position (GRCh38, 1-based): chr16:88,428,539, T>C. VCF-style: chr16-88428539-T-C. GRCh37 (hg19) VCF-style: chr16-88494947-T-C.
Other names: NM_001127464.1:c.1069T>C; p.Ser357Pro; short protein forms S357P.
Identifiers: ClinVar variation 193177 (VCV000193177.26), dbSNP rs11648572, ClinGen allele CA200378.